The following is an entry in ClinVar:

NM_000081.4(LYST):c.5373_5374delinsAG (p.Asn1792Asp)

Gene: LYST (lysosomal trafficking regulator; minus strand). Cytogenetic location: 1q42.3.
Variant type: Indel.
Coding change: c.5373_5374delinsAG on transcript NM_000081.4 (MANE Select); coding-DNA positions 5373 to 5374, GA replaced by AG.
Protein change: p.Asn1792Asp; replaces asparagine 1792 with aspartic acid.
Molecular consequence: missense variant.
Genome position (GRCh38, 1-based): chr1:235,777,149-235,777,150, TC replaced by CT on the plus strand (GA replaced by AG on the coding strand, the reverse complement: LYST is on the minus strand). VCF-style: chr1-235777149-TC-CT. GRCh37 (hg19) VCF-style: chr1-235940449-TC-CT.
Other names: p.Asn1792Asp; c.5373_5374delinsAG, p.Asn1792Asp (NM_001301365.1); short protein forms N1792D.
Identifiers: ClinVar variation 969397 (VCV000969397.6), dbSNP rs796131054, ClinGen allele CA39622296.
Genomic context (GRCh38, chr1:235,777,149, plus strand): 5'-CAGTTCCACCAATTTCGTGCAGAATGCCTTGAATAGTTTTATATTCAGTAGGTTGGAGAT[TC>CT]TTTAGATGATGAGGTTCTAATAAGATGCTCTGAACTTCTTTTGAGCTGAAGGGTCTTTGA-3'
Protein context (NP_000072.2, residues 1782-1802): SILLEPHHLK[Asn1792Asp]LQPTEYKTIQ

ClinVar aggregate classification (germline): Uncertain significance. Review status: criteria provided, multiple submitters, no conflicts (2 of 4 stars). 2 submissions from 2 submitters: Uncertain significance (2). Last evaluated 2022-10-05.

Conditions:
Chédiak-Higashi syndrome (CHS). Also called: Chediak-Higashi Syndrome. Identifiers: Orphanet 167, MedGen C0007965, MONDO:0008963, OMIM 214500.

Submissions (2):

Labcorp Genetics (formerly Invitae), Labcorp
Classification: Uncertain significance for Chédiak-Higashi syndrome. Last evaluated: 2022-10-05. Review status: criteria provided, single submitter. Criteria: Invitae Variant Classification Sherloc (09022015). Collection method: clinical testing. Allele origin: germline.
Comment: This sequence change replaces asparagine, which is neutral and polar, with aspartic acid, which is acidic and polar, at codon 1792 of the LYST protein (p.Asn1792Asp). Information on the frequency of this variant in the gnomAD database is not available, as this variant may be reported differently in the database. This variant has not been reported in the literature in individuals affected with LYST-related conditions. ClinVar contains an entry for this variant (Variation ID: 969397). Experimental studies and prediction algorithms are not available or were not evaluated, and the functional significance of this variant is currently unknown. Algorithms developed to predict the effect of sequence changes on RNA splicing suggest that this variant may create or strengthen a splice site. In summary, the available evidence is currently insufficient to determine the role of this variant in disease. Therefore, it has been classified as a Variant of Uncertain Significance.

Mayo Clinic Laboratories, Mayo Clinic
Classification: Uncertain significance. Last evaluated: 2022-04-18. Review status: criteria provided, single submitter. Criteria: ACMG Guidelines, 2015. Collection method: clinical testing. Allele origin: germline. Observed: 1 variant allele.